The following is an entry in ClinVar:

NM_000057.4(BLM):c.2440A>G (p.Met814Val)

Gene: BLM (BLM RecQ like helicase; plus strand). Cytogenetic location: 15q26.1.
Variant type: single nucleotide variant.
Coding change: c.2440A>G on transcript NM_000057.4 (MANE Select); coding-DNA position 2440, A replaced by G.
Protein change: p.Met814Val; replaces methionine 814 with valine.
Molecular consequence: missense variant.
Genome position (GRCh38, 1-based): chr15:90,769,471, A>G. VCF-style: chr15-90769471-A-G. GRCh37 (hg19) VCF-style: chr15-91312701-A-G.
Other names: c.2440A>G, p.Met814Val (NM_001287246.2, NM_001287247.2); c.1315A>G, p.Met439Val (NM_001287248.2); short protein forms M439V, M814V.
Identifiers: ClinVar variation 3677353 (VCV003677353.2).

ClinVar aggregate classification (germline): Uncertain significance (1 of 4 stars; one submission).

Conditions:
Bloom syndrome (BLM). Also called: Bloom-Torre-Machacek syndrome. Identifiers: Orphanet 125, MedGen C0005859, MONDO:0008876, OMIM 210900.

Submission:

Labcorp Genetics (formerly Invitae), Labcorp
Classification: Uncertain significance for Bloom syndrome. Last evaluated: 2025-01-13. Review status: criteria provided, single submitter. Criteria: Invitae Variant Classification Sherloc (09022015). Collection method: clinical testing. Allele origin: germline.
Comment: This sequence change replaces methionine, which is neutral and non-polar, with valine, which is neutral and non-polar, at codon 814 of the BLM protein (p.Met814Val). This variant is not present in population databases (gnomAD no frequency). This variant has not been reported in the literature in individuals affected with BLM-related conditions. Invitae Evidence Modeling of protein sequence and biophysical properties (such as structural, functional, and spatial information, amino acid conservation, physicochemical variation, residue mobility, and thermodynamic stability) indicates that this missense variant is not expected to disrupt BLM protein function with a negative predictive value of 80%. In summary, the available evidence is currently insufficient to determine the role of this variant in disease. Therefore, it has been classified as a Variant of Uncertain Significance.